The following is an entry in ClinVar:

ClinVar aggregate classification (germline): Likely pathogenic (1 of 4 stars; one submission).

Conditions:
Bardet-Biedl syndrome 10 (BBS10). Identifiers: Orphanet 110, MedGen C1859568, MONDO:0014438, OMIM 615987.

Submission:

Natera, Inc.
Classification: Likely pathogenic for Bardet-Biedl syndrome type 10. Last evaluated: 2025-06-03. Review status: criteria provided, single submitter. Criteria: Natera Variant Classification Schema (03/2026). Collection method: clinical testing. Allele origin: germline.
Comment: The c.815_822dup variant in BBS10 is a frameshift variant predicted to shift the reading frame beginning at codon 275 and leads to a stop codon 6 codons downstream. This variant is expected to result in nonsense mediated decay, truncation, or a dysfunctional protein product. This variant is rare in the general population with a frequency below the threshold expected for the associated phenotype(s). Given the available evidence, this variant is classified as Likely Pathogenic.

NM_024685.4(BBS10):c.815_822dup (p.Phe275fs)

Gene: BBS10 (Bardet-Biedl syndrome 10; minus strand). Cytogenetic location: 12q21.2.
Variant type: Duplication.
Coding change: c.815_822dup on transcript NM_024685.4 (MANE Select); coding-DNA positions 815 to 822, 8 bases duplicated (GATCAGAG; older notation c.815_822dupGATCAGAG).
Protein change: p.Phe275fs; shifts the reading frame from phenylalanine 275.
Molecular consequence: frameshift variant.
Genome position (GRCh38, 1-based): chr12:76,347,163-76,347,170, CTCTGATC duplicated on the plus strand (GATCAGAG on the coding strand, the reverse complement: BBS10 is on the minus strand); duplicating any 8 consecutive bases within chr12:76,347,163-76,347,171 gives the same sequence; the c. name uses the placement nearest the transcript's 3' end. VCF-style (leftmost placement, unchanged base first): chr12-76347162-A-ACTCTGATC. GRCh37 (hg19) VCF-style: chr12-76740942-A-ACTCTGATC.
Other names: short protein forms F275fs.
Identifiers: ClinVar variation 4816169 (VCV004816169.1).